The following is an entry in ClinVar:

NM_001080517.3(SETD5):c.2047T>A (p.Ser683Thr)

Gene: SETD5 (SET domain containing 5; plus strand). Cytogenetic location: 3p25.3.
Variant type: single nucleotide variant.
Coding change: c.2047T>A on transcript NM_001080517.3 (MANE Select); coding-DNA position 2047, T replaced by A.
Protein change: p.Ser683Thr; replaces serine 683 with threonine.
Molecular consequence: missense variant.
Genome position (GRCh38, 1-based): chr3:9,447,950, T>A. VCF-style: chr3-9447950-T-A. GRCh37 (hg19) VCF-style: chr3-9489634-T-A.
Other names: c.1753T>A, p.Ser585Thr (NM_001292043.2, NM_001349451.2); c.2143T>A, p.Ser715Thr (NM_001437633.1); c.2104T>A, p.Ser702Thr (NM_001437635.1); c.2047T>A, p.Ser683Thr (NM_001437643.1); c.2086T>A, p.Ser696Thr (NM_001437701.1); short protein forms S585T, S683T, S696T, S702T, S715T.
Identifiers: ClinVar variation 5016746 (VCV005016746.1).

ClinVar aggregate classification (germline): Uncertain significance (1 of 4 stars; one submission).

gnomAD v4.1: 7 of 1,613,918 alleles (0.00043%); highest among the groups gnomAD compares: Non-Finnish European, 0.00059%; no homozygotes.

Submission:

GeneDx
Classification: Uncertain significance. Last evaluated: 2026-03-22. Review status: criteria provided, single submitter. Criteria: GeneDx Variant Classification Process June 2021. Collection method: clinical testing. Allele origin: germline.
Comment: Not observed at significant frequency in large population cohorts (gnomAD); In silico analysis suggests that this missense variant does not alter protein structure/function; Has not been previously published as pathogenic or benign to our knowledge